The following is an entry in ClinVar:

NM_001378452.1(ITPR1):c.487A>G (p.Ile163Val)

Gene: ITPR1 (inositol 1,4,5-trisphosphate receptor type 1; plus strand). Cytogenetic location: 3p26.1.
Variant type: single nucleotide variant.
Coding change: c.487A>G on transcript NM_001378452.1 (MANE Select); coding-DNA position 487, A replaced by G.
Protein change: p.Ile163Val; replaces isoleucine 163 with valine.
Molecular consequence: missense variant.
Genome position (GRCh38, 1-based): chr3:4,642,213, A>G. VCF-style: chr3-4642213-A-G. GRCh37 (hg19) VCF-style: chr3-4683897-A-G.
Other names: c.487A>G, p.Ile163Val (NM_001099952.4, NM_001168272.2, NM_002222.7); short protein forms I163V.
Identifiers: ClinVar variation 3659378 (VCV003659378.2).

ClinVar aggregate classification (germline): Uncertain significance (1 of 4 stars; one submission).

gnomAD v4.1: 2 of 1,589,612 alleles (0.00013%); highest among the groups gnomAD compares: South Asian, 0.0012%; no homozygotes.

Submission:

Labcorp Genetics (formerly Invitae), Labcorp
Classification: Uncertain significance. Last evaluated: 2024-07-12. Review status: criteria provided, single submitter. Criteria: Invitae Variant Classification Sherloc (09022015). Collection method: clinical testing. Allele origin: germline.
Comment: This sequence change replaces isoleucine, which is neutral and non-polar, with valine, which is neutral and non-polar, at codon 163 of the ITPR1 protein (p.Ile163Val). This variant is not present in population databases (gnomAD no frequency). This variant has not been reported in the literature in individuals affected with ITPR1-related conditions. Advanced modeling of protein sequence and biophysical properties (such as structural, functional, and spatial information, amino acid conservation, physicochemical variation, residue mobility, and thermodynamic stability) performed at Invitae indicates that this missense variant is not expected to disrupt ITPR1 protein function with a negative predictive value of 95%. In summary, the available evidence is currently insufficient to determine the role of this variant in disease. Therefore, it has been classified as a Variant of Uncertain Significance.